The following is an entry in ClinVar:

NM_001386135.1(AFF3):c.692C>G (p.Pro231Arg)

Gene: AFF3 (ALF transcription elongation factor 3; minus strand). Cytogenetic location: 2q11.2.
Variant type: single nucleotide variant.
Coding change: c.692C>G on transcript NM_001386135.1 (MANE Select); coding-DNA position 692, C replaced by G.
Protein change: p.Pro231Arg; replaces proline 231 with arginine.
Molecular consequence: missense variant.
Genome position (GRCh38, 1-based): chr2:100,006,813, G>C on the plus strand (C>G on the coding strand, the complement: AFF3 is on the minus strand). VCF-style: chr2-100006813-G-C. GRCh37 (hg19) VCF-style: chr2-100623275-G-C.
Other names: c.767C>G, p.Pro256Arg (NM_001025108.2); c.692C>G, p.Pro231Arg (NM_002285.3); short protein forms P231R, P256R.
Identifiers: ClinVar variation 3031952 (VCV003031952.3), dbSNP rs2104735130, ClinGen allele CA347963771.
Genomic context (GRCh38, chr2:100,006,813, plus strand): 5'-AGCTTAGGAGACTCATCAGGGGCCTGATCTTGGCCGTCCATTGGCCTCACATACGCGGTC[G>C]GTTTCTGCTGGACCAGGCTGGGTTTTGAAGCTAGGGATGGAGGAAAGTTCTGAACACAGT-3'
Protein context (NP_001373064.1, residues 221-241): ASKPSLVQQK[Pro231Arg]TAYVRPMDGQ

ClinVar aggregate classification (germline): Likely pathogenic (1 of 4 stars; one submission).

Conditions:
AFF3-related disorder. Also called: AFF3-related condition.

Submission:

PreventionGenetics, part of Exact Sciences
Classification: Likely pathogenic for AFF3-related condition. Last evaluated: 2024-11-22. Review status: criteria provided, single submitter. Criteria: ACMG Guidelines, 2015. Collection method: clinical testing. Allele origin: germline.
Comment: The AFF3 c.692C>G variant is predicted to result in the amino acid substitution p.Pro231Arg. This variant was reported as a mosaic de novo variant in a patient with KINSSHIP syndrome (reported as NM_001025108:c.767C>G, p.Pro256Arg, Inoue et al. 2023. PubMed ID: 36576140). Different variants affecting the same amino acid (p.Pro256Ala and p.Pro256Leu) were reported as de novo in two individuals with KINSSHIP syndrome (Table S1, Voisin et al. 2021. PubMed ID: 33961779). The c.692C>G variant has not been reported in a large population database, indicating this variant is rare. This variant is classified as likely pathogenic.